The following is an entry in ClinVar:

NM_182961.4(SYNE1):c.1014G>T (p.Gln338His)

Gene: SYNE1 (spectrin repeat containing nuclear envelope protein 1; minus strand). Cytogenetic location: 6q25.2.
Variant type: single nucleotide variant.
Coding change: c.1014G>T on transcript NM_182961.4 (MANE Select); coding-DNA position 1014, G replaced by T.
Protein change: p.Gln338His; replaces glutamine 338 with histidine.
Molecular consequence: missense variant.
Genome position (GRCh38, 1-based): chr6:152,488,429, C>A on the plus strand (G>T on the coding strand, the complement: SYNE1 is on the minus strand). VCF-style: chr6-152488429-C-A. GRCh37 (hg19) VCF-style: chr6-152809564-C-A.
Other names: c.1035G>T, p.Gln345His (NM_033071.5); short protein forms Q338H, Q345H.
Identifiers: ClinVar variation 2684023 (VCV002684023.1), dbSNP rs2506059052, ClinGen allele CA366144262.
Genomic context (GRCh38, chr6:152,488,429, plus strand): 5'-AATTCAAAAATCTTCTCCATACAATACCTGATATTTATCCTGTAAATTTGATTCCACCAT[C>A]TGTGCTCTTGTCAAATCTCTCTCAAATTGTTCTATCCAAACTTTCATTTCCTTAAAAATT-3'
Protein context (NP_892006.3, residues 328-348): EQFERDLTRA[Gln338His]MVESNLQDKY

ClinVar aggregate classification (germline): Uncertain significance (1 of 4 stars; one submission).

Submission:

Athena Diagnostics
Classification: Uncertain significance. Last evaluated: 2022-09-30. Review status: criteria provided, single submitter. Criteria: Athena Diagnostics Criteria. Collection method: clinical testing. Allele origin: unknown.
Comment: Available data are insufficient to determine the clinical significance of the variant at this time. This variant has not been reported in large, multi-ethnic general populations. Computational tools disagree on the variant's effect on normal protein function.